The following is an entry in ClinVar:

ClinVar aggregate classification (germline): Conflicting classifications of pathogenicity. Review status: criteria provided, conflicting classifications (1 of 4 stars). 3 submissions from 3 submitters: Uncertain significance (2); Likely benign (1). Last evaluated 2022-05-04.

Conditions:
Hereditary cancer-predisposing syndrome. Also called: Neoplastic Syndromes, Hereditary; Tumor predisposition; Hereditary neoplastic syndrome; Hereditary Cancer Syndrome. Identifiers: Orphanet 140162, MedGen C0027672, MeSH D009386, MONDO:0015356.
Familial cancer of breast. Also called: hereditary breast carcinoma; BREAST CANCER, FAMILIAL; Hereditary breast cancer. Identifiers: Orphanet 227535, MedGen C0346153, MONDO:0016419, OMIM 114480. Disease mechanism: loss of function.

Submissions (3):

Mendelics
Classification: Uncertain significance. Last evaluated: 2022-05-04. Review status: criteria provided, single submitter. Criteria: Mendelics Assertion Criteria 2019. Collection method: clinical testing. Allele origin: germline.

Ambry Genetics
Classification: Likely benign for Hereditary cancer-predisposing syndrome. Last evaluated: 2020-11-24. Review status: criteria provided, single submitter. Criteria: Ambry Variant Classification Scheme 2023. Collection method: clinical testing. Allele origin: germline.

Labcorp Genetics (formerly Invitae), Labcorp
Classification: Uncertain significance for Familial cancer of breast. Last evaluated: 2020-02-24. Review status: criteria provided, single submitter. Criteria: Invitae Variant Classification Sherloc (09022015). Collection method: clinical testing. Allele origin: germline.
Comment: In summary, the available evidence is currently insufficient to determine the role of this variant in disease. Therefore, it has been classified as a Variant of Uncertain Significance. Algorithms developed to predict the effect of missense changes on protein structure and function output the following: SIFT: "Tolerated"; PolyPhen-2: "Benign"; Align-GVGD: "Class C0". The proline amino acid residue is found in multiple mammalian species, suggesting that this missense change does not adversely affect protein function. These predictions have not been confirmed by published functional studies and their clinical significance is uncertain. This variant has not been reported in the literature in individuals with PALB2-related conditions. This variant is not present in population databases (ExAC no frequency). This sequence change replaces serine with proline at codon 478 of the PALB2 protein (p.Ser478Pro). The serine residue is moderately conserved and there is a moderate physicochemical difference between serine and proline.

NM_024675.4(PALB2):c.1432T>C (p.Ser478Pro)

Gene: PALB2 (partner and localizer of BRCA2; minus strand). Cytogenetic location: 16p12.2.
Variant type: single nucleotide variant.
Coding change: c.1432T>C on transcript NM_024675.4 (MANE Select); coding-DNA position 1432, T replaced by C.
Protein change: p.Ser478Pro; replaces serine 478 with proline.
Molecular consequence: missense variant.
Genome position (GRCh38, 1-based): chr16:23,635,114, A>G on the plus strand (T>C on the coding strand, the complement: PALB2 is on the minus strand). VCF-style: chr16-23635114-A-G. GRCh37 (hg19) VCF-style: chr16-23646435-A-G.
Other names: short protein forms S478P.
Identifiers: ClinVar variation 642825 (VCV000642825.15), dbSNP rs1597096071, ClinGen allele CA395131285.